The following is an entry in ClinVar:

NM_004260.4(RECQL4):c.84+13_84+20del

Genes: RECQL4 (RecQ like helicase 4; minus strand), LOC130001411 (ATAC-STARR-seq lymphoblastoid silent region 19699; plus strand). Cytogenetic location: 8q24.3.
Variant type: Deletion.
Coding change: c.84+13_84+20del on transcript NM_004260.4 (MANE Select); bases 13 to 20 of the intron after coding-DNA position 84, 8 bases deleted (CAGGGGCC; older notation c.84+13_84+20delCAGGGGCC).
Molecular consequence: intron variant.
Genome position (GRCh38, 1-based): chr8:144,517,681-144,517,688, GGCCCCTG deleted on the plus strand (CAGGGGCC on the coding strand, the reverse complement: RECQL4 is on the minus strand); deleting any 8 consecutive bases within chr8:144,517,681-144,517,691 gives the same sequence; the c. name uses the placement nearest the transcript's 3' end. VCF-style (leftmost placement, unchanged base first): chr8-144517680-CGGCCCCTG-C. GRCh37 (hg19) VCF-style: chr8-145743064-CGGCCCCTG-C.
Other names: c.-692_-685delGCCCAGGG (NM_001413021.1); c.-1043_-1036delGCCCAGGG (NM_001413022.1, NM_001413023.1, NM_001413037.1 and 2 more transcripts); c.-940_-933delGCCCAGGG (NM_001413024.1); c.-768_-761delGCCCAGGG (NM_001413028.1); c.-1105_-1098delGCCCAGGG (NM_001413030.1, NM_001413031.1, NM_001413041.1); c.-947_-940delGCCCAGGG (NM_001413034.1); c.-948_-941delGCCCAGGG (NM_001413040.1); c.-1312_-1305delGCCCAGGG (NM_001413043.1).
Identifiers: ClinVar variation 1976359 (VCV001976359.6), dbSNP rs1212849717, ClinGen allele CA585833120.

ClinVar aggregate classification (germline): Conflicting classifications of pathogenicity. Review status: criteria provided, conflicting classifications (1 of 4 stars). 2 submissions from 2 submitters: Uncertain significance (1); Likely benign (1). Last evaluated 2025-11-24.

Conditions:
Baller-Gerold syndrome (BGS). Also called: CRANIOSYNOSTOSIS WITH RADIAL DEFECTS. Identifiers: Orphanet 1225, MedGen C0265308, MONDO:0009039, OMIM 218600.

Submissions (2):

Labcorp Genetics (formerly Invitae), Labcorp
Classification: Uncertain significance for Baller-Gerold syndrome. Last evaluated: 2025-11-24. Review status: criteria provided, single submitter. Criteria: Invitae Variant Classification Sherloc (09022015). Collection method: clinical testing. Allele origin: germline.
Comment: This sequence change falls in intron 1 of the RECQL4 gene. It does not directly change the encoded amino acid sequence of the RECQL4 protein. This variant is present in population databases (no rsID available, gnomAD 0.004%). This variant has not been reported in the literature in individuals affected with RECQL4-related conditions. ClinVar contains an entry for this variant (Variation ID: 1976359). Algorithms developed to predict the effect of sequence changes on RNA splicing suggest that this variant may disrupt the consensus splice site. In summary, the available evidence is currently insufficient to determine the role of this variant in disease. Therefore, it has been classified as a Variant of Uncertain Significance.

Blueprint Genetics
Classification: Likely benign. Last evaluated: 2023-09-12. Review status: criteria provided, single submitter. Criteria: ACMG Guidelines, 2015. Collection method: clinical testing. Allele origin: germline.